The following is an entry in ClinVar:

NM_152743.4(BRAT1):c.1779_1780del (p.Leu594fs)

Gene: BRAT1 (BRCA1 associated ATM activator 1; minus strand). Cytogenetic location: 7p22.3.
Variant type: Deletion.
Coding change: c.1779_1780del on transcript NM_152743.4 (MANE Select); coding-DNA positions 1779 to 1780, 2 bases deleted (CC; older notation c.1779_1780delCC).
Protein change: p.Leu594fs; shifts the reading frame from leucine 594.
Molecular consequence: frameshift variant. On other transcripts: non-coding transcript variant (1).
Genome position (GRCh38, 1-based): chr7:2,538,755-2,538,756, GG deleted on the plus strand (CC on the coding strand, the reverse complement: BRAT1 is on the minus strand). VCF-style (leftmost placement, unchanged base first): chr7-2538754-AGG-A. GRCh37 (hg19) VCF-style: chr7-2578388-AGG-A.
Other names: c.1959_1960del, p.Leu654fs (NM_001350626.2); c.1254_1255del, p.Leu419fs (NM_001350627.2); short protein forms L419fs, L654fs, L594fs.
Identifiers: ClinVar variation 2810709 (VCV002810709.3), dbSNP rs961988900, ClinGen allele CA152665136.
Genomic context (GRCh38, chr7:2,538,754, plus strand): 5'-TGCATGACCGCCCGCCGTGGGAAGCCCTCCGAGTCTACGGAGAGGATGTGCAGGAGCTCC[AGG>A]AACAGGCTCTGGGGGACAGGGAGCAAGTGCGGATGGTTGGTGGGGTGGCAGGAGCGAGGC-3'

ClinVar aggregate classification (germline): Pathogenic (1 of 4 stars; one submission).

Conditions:
Neonatal-onset encephalopathy with rigidity and seizures. Also called: Lethal neonatal spasticity-epileptic encephalopathy syndrome. Identifiers: Orphanet 435845, MedGen C3281029, MONDO:0013784, OMIM 614498.

Allele frequency attached by ClinVar (database versions not stated): TOPMed below 0.00001.

Submission:

Labcorp Genetics (formerly Invitae), Labcorp
Classification: Pathogenic for Neonatal-onset encephalopathy with rigidity and seizures. Last evaluated: 2023-04-28. Review status: criteria provided, single submitter. Criteria: Invitae Variant Classification Sherloc (09022015). Collection method: clinical testing. Allele origin: germline.
Comment: For these reasons, this variant has been classified as Pathogenic. This variant disrupts a region of the BRAT1 protein in which other variant(s) (p.Phe709Thrfs*17) have been determined to be pathogenic (PMID: 27480663; Invitae). This suggests that this is a clinically significant region of the protein, and that variants that disrupt it are likely to be disease-causing. This variant has not been reported in the literature in individuals affected with BRAT1-related conditions. This variant is not present in population databases (gnomAD no frequency). This sequence change creates a premature translational stop signal (p.Leu594Glyfs*24) in the BRAT1 gene. While this is not anticipated to result in nonsense mediated decay, it is expected to disrupt the last 228 amino acid(s) of the BRAT1 protein.

Literature cited by the submitters: PubMed 27480663.